The following is an entry in ClinVar:

NM_022051.3(EGLN1):c.303C>A (p.Asp101Glu)

Gene: EGLN1 (egl-9 family hypoxia inducible factor 1; minus strand). Cytogenetic location: 1q42.2.
Variant type: single nucleotide variant.
Coding change: c.303C>A on transcript NM_022051.3 (MANE Select); coding-DNA position 303, C replaced by A.
Protein change: p.Asp101Glu; replaces aspartic acid 101 with glutamic acid.
Molecular consequence: missense variant.
Genome position (GRCh38, 1-based): chr1:231,421,586, G>T on the plus strand (C>A on the coding strand, the complement: EGLN1 is on the minus strand). VCF-style: chr1-231421586-G-T. GRCh37 (hg19) VCF-style: chr1-231557332-G-T.
Other names: c.303C>A, p.Asp101Glu (NM_001377260.1, NM_001377261.1); short protein forms D101E.
Identifiers: ClinVar variation 1799126 (VCV001799126.2), dbSNP rs2527360816, ClinGen allele CA345237841.
Genomic context (GRCh38, chr1:231,421,586, plus strand): 5'-CGCTGGGTCGGCCGGGGGCTTGGCCTTTACTTTTCCCTTGGCCGCGTCCCCGGAGGCGTT[G>T]TCCCGGCGCGCCGCTGCCTTCCTGGGCTCCCGGGCCCCGGCCCTGGGCGGCGGCACTGCA-3'
Protein context (NP_071334.1, residues 91-111): REPRKAAARR[Asp101Glu]NASGDAAKGK

ClinVar aggregate classification (germline): Uncertain significance (1 of 4 stars; one submission).

Submission:

Ambry Genetics
Classification: Uncertain significance. Last evaluated: 2021-11-30. Review status: criteria provided, single submitter. Criteria: Ambry Variant Classification Scheme 2023. Collection method: clinical testing. Allele origin: germline.
Comment: The p.D101E variant (also known as c.303C>A), located in coding exon 1 of the EGLN1 gene, results from a C to A substitution at nucleotide position 303. The aspartic acid at codon 101 is replaced by glutamic acid, an amino acid with highly similar properties. This amino acid position is conserved. In addition, this alteration is predicted to be tolerated by in silico analysis. Since supporting evidence is limited at this time, the clinical significance of this alteration remains unclear.